The following is an entry in ClinVar:

ClinVar aggregate classification (germline): Uncertain significance. Review status: criteria provided, multiple submitters, no conflicts (2 of 4 stars). 3 submissions from 3 submitters: Uncertain significance (3). Last evaluated 2025-06-12.

Conditions:
Fanconi anemia (FA). Also called: Fanconi's anemia. Identifiers: Orphanet 84, MedGen C0015625, MeSH D005199, MONDO:0019391.
Inborn genetic diseases. Identifiers: MedGen C0950123, MeSH D030342.

Allele frequency attached by ClinVar (database versions not stated): TOPMed below 0.00001; ExAC 0.00001; gnomAD exomes 0.00001 and 0.00002.
gnomAD v4.1: 9 of 1,614,008 alleles (0.00056%); highest among the groups gnomAD compares: Admixed American, 0.01%; no homozygotes.

Submissions (3):

Labcorp Genetics (formerly Invitae), Labcorp
Classification: Uncertain significance for Fanconi anemia. Last evaluated: 2025-06-12. Review status: criteria provided, single submitter. Criteria: Invitae Variant Classification Sherloc (09022015). Collection method: clinical testing. Allele origin: germline.
Comment: This sequence change replaces lysine, which is basic and polar, with asparagine, which is neutral and polar, at codon 1877 of the FANCM protein (p.Lys1877Asn). This variant is present in population databases (rs761269508, gnomAD 0.01%). This variant has not been reported in the literature in individuals affected with FANCM-related conditions. ClinVar contains an entry for this variant (Variation ID: 1051644). An algorithm developed to predict the effect of missense changes on protein structure and function (PolyPhen-2) suggests that this variant is likely to be disruptive. In summary, the available evidence is currently insufficient to determine the role of this variant in disease. Therefore, it has been classified as a Variant of Uncertain Significance.

Ambry Genetics
Classification: Uncertain significance for Inborn genetic diseases. Last evaluated: 2024-11-25. Review status: criteria provided, single submitter. Criteria: Ambry Variant Classification Scheme 2023. Collection method: clinical testing. Allele origin: germline.
Comment: The p.K1877N variant (also known as c.5631G>C), located in coding exon 21 of the FANCM gene, results from a G to C substitution at nucleotide position 5631. The lysine at codon 1877 is replaced by asparagine, an amino acid with similar properties. This amino acid position is conserved. In addition, this alteration is predicted to be tolerated by in silico analysis. Based on the available evidence, the clinical significance of this variant remains unclear.

Quest Diagnostics Nichols Institute San Juan Capistrano
Classification: Uncertain significance. Last evaluated: 2022-11-07. Review status: criteria provided, single submitter. Criteria: Quest Diagnostics criteria. Collection method: clinical testing. Allele origin: unknown.
Comment: The variant has not been reported in the published literature. The frequency of this variant in the general population, 0.00014 (5/34592 chromosomes), is uninformative in assessment of its pathogenicity. Analysis of this variant using bioinformatics tools for the prediction of the effect of amino acid changes on protein structure and function yielded conflicting predictions that this variant is deleterious or benign. Based on the available information, we are unable to determine the clinical significance of this variant.

NM_020937.4(FANCM):c.5631G>C (p.Lys1877Asn)

Gene: FANCM (FA complementation group M; plus strand). Cytogenetic location: 14q21.2.
Variant type: single nucleotide variant.
Coding change: c.5631G>C on transcript NM_020937.4 (MANE Select); coding-DNA position 5631, G replaced by C.
Protein change: p.Lys1877Asn; replaces lysine 1877 with asparagine.
Molecular consequence: missense variant.
Genome position (GRCh38, 1-based): chr14:45,196,462, G>C. VCF-style: chr14-45196462-G-C. GRCh37 (hg19) VCF-style: chr14-45665665-G-C.
Other names: c.5631G>C (NM_020937.3, NM_020937.2); c.5553G>C, p.Lys1851Asn (NM_001308133.2); short protein forms K1851N, K1877N.
Identifiers: ClinVar variation 1051644 (VCV001051644.11), dbSNP rs761269508, ClinGen allele CA7170031.
Genomic context (GRCh38, chr14:45,196,462, plus strand): 5'-GAGTAATCGCATGGTGGTGGAAAGGAGGTCTCAATCTGAGATGTTAAATAGTGTCAATAA[G>C]AACAAGTTCATTGAGCAGATCCAGCACCTGCAGAGTATGTTTGAAAGAATATGTGTGATT-3'
Protein context (NP_065988.1, residues 1867-1887): SQSEMLNSVN[Lys1877Asn]NKFIEQIQHL